The following is an entry in ClinVar:

NM_133433.4(NIPBL):c.4100G>C (p.Ser1367Thr)

Gene: NIPBL (NIPBL cohesin loading factor; plus strand). Cytogenetic location: 5p13.2.
Variant type: single nucleotide variant.
Coding change: c.4100G>C on transcript NM_133433.4 (MANE Select); coding-DNA position 4100, G replaced by C.
Protein change: p.Ser1367Thr; replaces serine 1367 with threonine.
Molecular consequence: missense variant.
Genome position (GRCh38, 1-based): chr5:37,007,335, G>C. VCF-style: chr5-37007335-G-C. GRCh37 (hg19) VCF-style: chr5-37007437-G-C.
Other names: c.4100G>C, p.Ser1367Thr (NM_015384.5); short protein forms S1367T.
Identifiers: ClinVar variation 2850884 (VCV002850884.3), dbSNP rs2478156976, ClinGen allele CA359525688.

ClinVar aggregate classification (germline): Uncertain significance (1 of 4 stars; one submission).

Conditions:
Cornelia de Lange syndrome 1 (CDLS1). Also called: TYPUS DEGENERATIVUS AMSTELODAMENSIS; Brachmann de Lange syndrome; NIPBL-Related Cornelia de Lange Syndrome. Identifiers: Orphanet 199, MedGen C4551851, MONDO:0007387, OMIM 122470.

Submission:

Labcorp Genetics (formerly Invitae), Labcorp
Classification: Uncertain significance for Cornelia de Lange syndrome 1. Last evaluated: 2023-05-19. Review status: criteria provided, single submitter. Criteria: Invitae Variant Classification Sherloc (09022015). Collection method: clinical testing. Allele origin: germline.
Comment: In summary, the available evidence is currently insufficient to determine the role of this variant in disease. Therefore, it has been classified as a Variant of Uncertain Significance. Advanced modeling of protein sequence and biophysical properties (such as structural, functional, and spatial information, amino acid conservation, physicochemical variation, residue mobility, and thermodynamic stability) performed at Invitae indicates that this missense variant is not expected to disrupt NIPBL protein function. This variant has not been reported in the literature in individuals affected with NIPBL-related conditions. This variant is not present in population databases (gnomAD no frequency). This sequence change replaces serine, which is neutral and polar, with threonine, which is neutral and polar, at codon 1367 of the NIPBL protein (p.Ser1367Thr).